The following is an entry in ClinVar:

NM_001376.5(DYNC1H1):c.7332G>T (p.Glu2444Asp)

Gene: DYNC1H1 (dynein cytoplasmic 1 heavy chain 1; plus strand). Cytogenetic location: 14q32.31.
Variant type: single nucleotide variant.
Coding change: c.7332G>T on transcript NM_001376.5 (MANE Select); coding-DNA position 7332, G replaced by T.
Protein change: p.Glu2444Asp; replaces glutamic acid 2444 with aspartic acid.
Molecular consequence: missense variant.
Genome position (GRCh38, 1-based): chr14:102,015,945, G>T. VCF-style: chr14-102015945-G-T. GRCh37 (hg19) VCF-style: chr14-102482282-G-T.
Other names: p.Glu2444Asp; short protein forms E2444D.
Identifiers: ClinVar variation 4541904 (VCV004541904.2).

ClinVar aggregate classification (germline): Uncertain significance. Review status: criteria provided, multiple submitters, no conflicts (2 of 4 stars). 2 submissions from 2 submitters: Uncertain significance (2). Last evaluated 2025-10-24.

Submissions (2):

Mayo Clinic Laboratories, Mayo Clinic
Classification: Uncertain significance. Last evaluated: 2025-10-24. Review status: criteria provided, single submitter. Criteria: ACMG Guidelines, 2015. Collection method: clinical testing. Allele origin: germline. Observed: 1 variant allele.
Comment: BP4_moderate

Blueprint Genetics
Classification: Uncertain significance. Last evaluated: 2023-12-15. Review status: criteria provided, single submitter. Criteria: ACMG Guidelines, 2015. Collection method: clinical testing. Allele origin: germline.